The following is an entry in ClinVar:

NC_000009.11:g.(?_108358859)_(108484922_?)del

Genes: FKTN (fukutin; plus strand), TAL2 (TAL bHLH transcription factor 2; plus strand), TMEM38B (transmembrane protein 38B; plus strand). Cytogenetic location: 9q31.2.
Variant type: Deletion.
Identifiers: ClinVar variation 2423629 (VCV002423629.4).

ClinVar aggregate classification (germline): Pathogenic (1 of 4 stars; one submission).

Conditions:
Walker-Warburg congenital muscular dystrophy. Also called: Muscular dystrophy-dystroglycanopathy, type A; Walker-Warburg syndrome. Identifiers: Orphanet 899, MedGen C0265221, MONDO:0000171.

Submission:

Labcorp Genetics (formerly Invitae), Labcorp
Classification: Pathogenic for Walker-Warburg congenital muscular dystrophy. Last evaluated: 2022-06-15. Review status: criteria provided, single submitter. Criteria: Invitae Variant Classification Sherloc (09022015). Collection method: clinical testing. Allele origin: germline.
Comment: For these reasons, this variant has been classified as Pathogenic. This variant disrupts a region of the FKTN protein in which other variant(s) (p.Phe390Ilefs*14) have been determined to be pathogenic (PMID: 10545611, 17878207, 18177472, 18752264, 19266496, 27065010). This suggests that this is a clinically significant region of the protein, and that variants that disrupt it are likely to be disease-causing. This variant has not been reported in the literature in individuals affected with FKTN-related conditions. This variant is a gross deletion of the genomic region encompassing exon(s) 4-11 of the FKTN gene, which includes the termination codon. This deletion extends beyond the assayed region for this gene and therefore may encompass additional genes. While this deletion is not anticipated to lead to nonsense mediated decay, it is expected to alter mRNA translation or result in a truncated protein product.

Literature cited by the submitters: PubMed 10545611; PubMed 17878207; PubMed 18177472; PubMed 18752264; PubMed 19266496; PubMed 27065010.